The following is an entry in ClinVar:

ClinVar aggregate classification (germline): Uncertain significance (1 of 4 stars; one submission).

gnomAD v4.1: 3 of 1,613,940 alleles (0.00019%); no homozygotes.

Submission:

Labcorp Genetics (formerly Invitae), Labcorp
Classification: Uncertain significance. Last evaluated: 2024-03-12. Review status: criteria provided, single submitter. Criteria: Invitae Variant Classification Sherloc (09022015). Collection method: clinical testing. Allele origin: germline.
Comment: This sequence change replaces serine, which is neutral and polar, with asparagine, which is neutral and polar, at codon 1849 of the MTOR protein (p.Ser1849Asn). This variant is not present in population databases (gnomAD no frequency). This variant has not been reported in the literature in individuals affected with MTOR-related conditions. Advanced modeling of protein sequence and biophysical properties (such as structural, functional, and spatial information, amino acid conservation, physicochemical variation, residue mobility, and thermodynamic stability) performed at Invitae indicates that this missense variant is not expected to disrupt MTOR protein function with a negative predictive value of 95%. In summary, the available evidence is currently insufficient to determine the role of this variant in disease. Therefore, it has been classified as a Variant of Uncertain Significance.

NM_004958.4(MTOR):c.5546G>A (p.Ser1849Asn)

Gene: MTOR (mechanistic target of rapamycin kinase; minus strand). Cytogenetic location: 1p36.22.
Variant type: single nucleotide variant.
Coding change: c.5546G>A on transcript NM_004958.4 (MANE Select); coding-DNA position 5546, G replaced by A.
Protein change: p.Ser1849Asn; replaces serine 1849 with asparagine.
Molecular consequence: missense variant.
Genome position (GRCh38, 1-based): chr1:11,130,596, C>T on the plus strand (G>A on the coding strand, the complement: MTOR is on the minus strand). VCF-style: chr1-11130596-C-T. GRCh37 (hg19) VCF-style: chr1-11190653-C-T.
Other names: c.5546G>A, p.Ser1849Asn (NM_001386500.1); c.4298G>A, p.Ser1433Asn (NM_001386501.1); short protein forms S1849N, S1433N.
Identifiers: ClinVar variation 3730346 (VCV003730346.2).